The following is an entry in ClinVar:

NM_032578.4(MYPN):c.1952C>T (p.Pro651Leu)

Gene: MYPN (myopalladin; plus strand). Cytogenetic location: 10q21.3.
Variant type: single nucleotide variant.
Coding change: c.1952C>T on transcript NM_032578.4 (MANE Select); coding-DNA position 1952, C replaced by T.
Protein change: p.Pro651Leu; replaces proline 651 with leucine.
Molecular consequence: missense variant. On other transcripts: non-coding transcript variant (2).
Genome position (GRCh38, 1-based): chr10:68,166,645, C>T. VCF-style: chr10-68166645-C-T. GRCh37 (hg19) VCF-style: chr10-69926402-C-T.
Other names: c.1952C>T, p.Pro651Leu (NM_001256267.2); c.1070C>T, p.Pro357Leu (NM_001256268.2); short protein forms P357L, P651L.
Identifiers: ClinVar variation 1933560 (VCV001933560.5), dbSNP rs548318517, ClinGen allele CA376841064.

ClinVar aggregate classification (germline): Uncertain significance (1 of 4 stars; one submission).

Conditions:
Dilated cardiomyopathy 1KK (CMD1KK). Identifiers: Orphanet 154, Orphanet 75249, MedGen C3714995, MONDO:0014100, OMIM 615248.

gnomAD v4.1: 2 of 1,613,880 alleles (0.00012%); highest among the groups gnomAD compares: East Asian, 0.0022%; no homozygotes.

Submission:

Labcorp Genetics (formerly Invitae), Labcorp
Classification: Uncertain significance for Dilated cardiomyopathy 1KK. Last evaluated: 2021-12-18. Review status: criteria provided, single submitter. Criteria: Invitae Variant Classification Sherloc (09022015). Collection method: clinical testing. Allele origin: germline.
Comment: Algorithms developed to predict the effect of missense changes on protein structure and function are either unavailable or do not agree on the potential impact of this missense change (SIFT: "Deleterious"; PolyPhen-2: "Probably Damaging"; Align-GVGD: "Class C0"). This variant has not been reported in the literature in individuals affected with MYPN-related conditions. This variant is present in population databases (no rsID available, gnomAD 0.003%). This sequence change replaces proline, which is neutral and non-polar, with leucine, which is neutral and non-polar, at codon 651 of the MYPN protein (p.Pro651Leu). In summary, the available evidence is currently insufficient to determine the role of this variant in disease. Therefore, it has been classified as a Variant of Uncertain Significance.